The following is an entry in ClinVar:

ClinVar aggregate classification (germline): Pathogenic. Review status: criteria provided, multiple submitters, no conflicts (2 of 4 stars). 3 submissions from 3 submitters: Pathogenic (3). Last evaluated 2023-12-12.

Conditions:
Neurodevelopmental disorder with hypotonia, stereotypic hand movements, and impaired language. Also called: Intellectual disability, autosomal dominant 20. Identifiers: Orphanet 228384, Orphanet 664410, MedGen C3150700, MONDO:0013266, OMIM 613443.
Neurodevelopmental disorder. Identifiers: MedGen C1535926, MeSH D065886, MONDO:0700092.

Submissions (3):

Labcorp Genetics (formerly Invitae), Labcorp
Classification: Pathogenic for Neurodevelopmental disorder with hypotonia, stereotypic hand movements, and impaired language. Last evaluated: 2023-12-12. Review status: criteria provided, single submitter. Criteria: Invitae Variant Classification Sherloc (09022015). Collection method: clinical testing. Allele origin: germline.
Comment: This sequence change creates a premature translational stop signal (p.Asn16*) in the MEF2C gene. It is expected to result in an absent or disrupted protein product. Loss-of-function variants in MEF2C are known to be pathogenic (PMID: 20513142). This variant is not present in population databases (gnomAD no frequency). This premature translational stop signal has been observed in individual(s) with clinical features of MEF2C-related conditions (PMID: 33831796). ClinVar contains an entry for this variant (Variation ID: 523919). For these reasons, this variant has been classified as Pathogenic.

Laboratory of Molecular Genetics (Pr. Bezieau's lab), CHU de Nantes
Classification: Pathogenic for Neurodevelopmental disorder. Last evaluated: 2020-08-03. Review status: criteria provided, single submitter. Criteria: ACMG Guidelines, 2015. Collection method: clinical testing. Allele origin: germline. Affected: yes.

GeneDx
Classification: Pathogenic. Last evaluated: 2018-03-15. Review status: criteria provided, single submitter. Criteria: GeneDx Variant Classification (06012015). Collection method: clinical testing. Allele origin: germline. Affected: yes.
Comment: The c.45dupT variant in the MEF2C gene has not been reported previously as a pathogenic variant nor as a benign variant, to our knowledge. The c.45dupT variant causes a frameshift starting with codon Asparagine 16 and changes this amino acid to a premature Stop codon, denoted p.Asn16Ter. This variant is predicted to cause loss of normal protein function either through protein truncation or nonsense-mediated mRNA decay. The c.45dupT variant is not observed in large population cohorts (Lek et al., 2016).

Literature cited by the submitters: PubMed 20513142 (cited by Labcorp Genetics (formerly Invitae), Labcorp); PubMed 33831796 (cited by Labcorp Genetics (formerly Invitae), Labcorp).

NM_002397.5(MEF2C):c.45dup (p.Asn16Ter)

Gene: MEF2C (myocyte enhancer factor 2C; minus strand). Cytogenetic location: 5q14.3.
Variant type: Duplication.
Coding change: c.45dup on transcript NM_002397.5 (MANE Select); coding-DNA position 45, one base duplicated (T; older notation c.45dupT).
Protein change: p.Asn16Ter; replaces asparagine 16 with a stop codon.
Molecular consequence: nonsense.
Genome position (GRCh38, 1-based): chr5:88,823,744, A duplicated on the plus strand (T on the coding strand, the reverse complement: MEF2C is on the minus strand). VCF-style (leftmost placement, unchanged base first): chr5-88823743-T-TA. GRCh37 (hg19) VCF-style: chr5-88119560-T-TA.
Other names: c.45dup, p.Asn16Ter (NM_001131005.2, NM_001193347.1, NM_001193348.1 and 29 more transcripts); short protein forms N16*.
Identifiers: ClinVar variation 523919 (VCV000523919.6), dbSNP rs1554150552, ClinGen allele CA658796545.